The following is an entry in ClinVar:

ClinVar aggregate classification (germline): Pathogenic (1 of 4 stars; one submission).

Conditions:
Neurofibromatosis, type 2 (SWNV). Also called: NF2-Related Schwannomatosis; BILATERAL ACOUSTIC NEUROFIBROMATOSIS; SCHWANNOMATOSIS, VESTIBULAR. Identifiers: Orphanet 637, MedGen C0027832, MONDO:0007039, OMIM 101000. Disease mechanism: loss of function.

Submission:

Labcorp Genetics (formerly Invitae), Labcorp
Classification: Pathogenic for Neurofibromatosis, type 2. Last evaluated: 2017-11-08. Review status: criteria provided, single submitter. Criteria: Invitae Variant Classification Sherloc (09022015). Collection method: clinical testing. Allele origin: germline.
Comment: This sequence change creates a premature translational stop signal (p.Gln324Argfs*22) in the NF2 gene. It is expected to result in an absent or disrupted protein product. This variant is not present in population databases (ExAC no frequency). This variant has not been reported in the literature in individuals with NF2-related disease. Loss-of-function variants in NF2 are known to be pathogenic (PMID: 9643284, 16983642). For these reasons, this variant has been classified as Pathogenic.

Literature cited by the submitters: PubMed 9643284; PubMed 16983642.

NM_000268.4(NF2):c.970del (p.Gln324fs)

Gene: NF2 (NF2, moesin-ezrin-radixin like (MERLIN) tumor suppressor; plus strand). Cytogenetic location: 22q12.2.
Variant type: Deletion.
Coding change: c.970del on transcript NM_000268.4 (MANE Select); coding-DNA position 970, one base deleted (C; older notation c.970delC).
Protein change: p.Gln324fs; shifts the reading frame from glutamine 324.
Molecular consequence: frameshift variant. On other transcripts: non-coding transcript variant (1), intron variant (1).
Genome position (GRCh38, 1-based): chr22:29,668,417, C deleted; the last of 3 consecutive C bases (chr22:29,668,415-29,668,417); deleting any one gives the same sequence. VCF-style (leftmost placement, unchanged base first): chr22-29668414-GC-G. GRCh37 (hg19) VCF-style: chr22-30064403-GC-G.
Other names: c.970del, p.Gln324fs (NM_016418.5, NM_181825.3, NM_181832.3); c.844del, p.Gln282fs (NM_181828.3); c.847del, p.Gln283fs (NM_181829.3); c.721del, p.Gln241fs (NM_181830.3, NM_181831.3); c.447+26132del (NM_181833.3); c.970delC (NM_000268.3); short protein forms Q324fs, Q241fs, Q282fs, Q283fs.
Identifiers: ClinVar variation 527702 (VCV000527702.7), dbSNP rs1555998851, ClinGen allele CA658799533.